The following is an entry in ClinVar:

ClinVar aggregate classification (germline): Uncertain significance. Review status: criteria provided, multiple submitters, no conflicts (2 of 4 stars). 2 submissions from 2 submitters: Uncertain significance (2). Last evaluated 2022-05-06.

Conditions:
Inborn genetic diseases. Identifiers: MedGen C0950123, MeSH D030342.
Ehlers-Danlos syndrome, musculocontractural type 2 (EDSMC2). Identifiers: Orphanet 2953, MedGen C3809845, MONDO:0014236, OMIM 615539.

Allele frequency attached by ClinVar (database versions not stated): gnomAD exomes 0.00001; TOPMed 0.00001.
gnomAD v4.1: 19 of 1,613,742 alleles (0.0012%); highest among the groups gnomAD compares: East Asian, 0.0045%; no homozygotes.

Submissions (2):

Ambry Genetics
Classification: Uncertain significance for Inborn genetic diseases. Last evaluated: 2022-05-06. Review status: criteria provided, single submitter. Criteria: Ambry Variant Classification Scheme 2023. Collection method: clinical testing. Allele origin: germline.

Labcorp Genetics (formerly Invitae), Labcorp
Classification: Uncertain significance for Ehlers-Danlos syndrome, musculocontractural type 2. Last evaluated: 2022-02-21. Review status: criteria provided, single submitter. Criteria: Invitae Variant Classification Sherloc (09022015). Collection method: clinical testing. Allele origin: germline.
Comment: This sequence change replaces arginine, which is basic and polar, with lysine, which is basic and polar, at codon 2 of the DSE protein (p.Arg2Lys). This variant is not present in population databases (gnomAD no frequency). This variant has not been reported in the literature in individuals affected with DSE-related conditions. Algorithms developed to predict the effect of missense changes on protein structure and function output the following: SIFT: "Not Available"; PolyPhen-2: "Benign"; Align-GVGD: "Not Available". The lysine amino acid residue is found in multiple mammalian species, which suggests that this missense change does not adversely affect protein function. In summary, the available evidence is currently insufficient to determine the role of this variant in disease. Therefore, it has been classified as a Variant of Uncertain Significance.

NM_013352.4(DSE):c.5G>A (p.Arg2Lys)

Gene: DSE (dermatan sulfate epimerase; plus strand). Cytogenetic location: 6q22.1.
Variant type: single nucleotide variant.
Coding change: c.5G>A on transcript NM_013352.4 (MANE Select); coding-DNA position 5, G replaced by A.
Protein change: p.Arg2Lys; replaces arginine 2 with lysine.
Molecular consequence: missense variant. On other transcripts: 5 prime UTR variant (4), non-coding transcript variant (1).
Genome position (GRCh38, 1-based): chr6:116,399,255, G>A. VCF-style: chr6-116399255-G-A. GRCh37 (hg19) VCF-style: chr6-116720418-G-A.
Other names: c.5G>A, p.Arg2Lys (NM_001080976.3, NM_001322937.2, NM_001322938.2 and 3 more transcripts); c.62G>A, p.Arg21Lys (NM_001322939.2); c.-553G>A (NM_001322940.2, NM_001322941.2); c.-896G>A (NM_001374520.1); c.-583G>A (NM_001374521.1); short protein forms R2K, R21K.
Identifiers: ClinVar variation 1982723 (VCV001982723.2), dbSNP rs1367654249, ClinGen allele CA365533858.